The following is an entry in ClinVar:

NM_001353345.2(SETD1B):c.616G>C (p.Glu206Gln)

Gene: SETD1B (SET domain containing 1B, histone lysine methyltransferase; plus strand). Cytogenetic location: 12q24.31.
Variant type: single nucleotide variant.
Coding change: c.616G>C on transcript NM_001353345.2 (MANE Select); coding-DNA position 616, G replaced by C.
Protein change: p.Glu206Gln; replaces glutamic acid 206 with glutamine.
Molecular consequence: missense variant.
Genome position (GRCh38, 1-based): chr12:121,808,279, G>C. VCF-style: chr12-121808279-G-C. GRCh37 (hg19) VCF-style: chr12-122246185-G-C.
Other names: short protein forms E206Q.
Identifiers: ClinVar variation 4813472 (VCV004813472.1).

ClinVar aggregate classification (germline): Uncertain significance (1 of 4 stars; one submission).

Conditions:
Intellectual developmental disorder with seizures and language delay (IDDSELD). Identifiers: MedGen C5436574, MONDO:0033559, OMIM 619000.

gnomAD v4.1: 18 of 1,550,608 alleles (0.0012%); highest among the groups gnomAD compares: Non-Finnish European, 0.0015%; no homozygotes.

Submission:

MVZ Praenatalmedizin und Genetik Nuernberg
Classification: Uncertain significance for Intellectual developmental disorder with seizures and language delay. Last evaluated: 2024-09-18. Review status: criteria provided, single submitter. Criteria: ACMG Guidelines, 2015. Collection method: clinical testing. Allele origin: germline.
Comment: The variant annotated with an allele frequency of 0.0012% in the population-based database gnomAD (18 of 1,550,608 alleles, 0xhomozygous, v4.1.0). It is not yet listed in the ClinVar database. In silico predictions yielded inconsistent results (CADDphred 23.40, GERP 4.84, REVEL Uncertain, AlphaMissense Likely Benign) and therefore did not allow for a tendency assessment. The literature search did not yield any additional information. In summary, based on the current data, we assess this to be a variant of uncertain clinical significance (VUS).